The following is an entry in ClinVar:

ClinVar aggregate classification (germline): Likely benign (1 of 4 stars; one submission).

Allele frequency attached by ClinVar (database versions not stated): gnomAD exomes below 0.00001.
gnomAD v4.1: 3 of 1,211,116 alleles (0.00025%); highest among the groups gnomAD compares: Non-Finnish European, 0.00022%; no homozygotes.

Submission:

CeGaT Center for Human Genetics Tuebingen
Classification: Likely benign. Last evaluated: 2024-06-01. Review status: criteria provided, single submitter. Criteria: CeGaT Center For Human Genetics Tuebingen Variant Classification Criteria Version 2. Collection method: clinical testing. Allele origin: germline. Affected: yes. Observed: 1 variant allele.
Comment: IQSEC2: PM2:Supporting, BP4, BP7

NM_001111125.3(IQSEC2):c.2286C>T (p.Asn762=)

Gene: IQSEC2 (IQ motif and Sec7 domain ArfGEF 2; minus strand). Cytogenetic location: Xp11.22.
Variant type: single nucleotide variant.
Coding change: c.2286C>T on transcript NM_001111125.3 (MANE Select); coding-DNA position 2286, C replaced by T.
Protein change: p.Asn762=; no amino-acid change (asparagine 762 retained).
Molecular consequence: synonymous variant.
Genome position (GRCh38, 1-based): chrX:53,250,290, G>A on the plus strand (C>T on the coding strand, the complement: IQSEC2 is on the minus strand). VCF-style: chrX-53250290-G-A. GRCh37 (hg19) VCF-style: chrX-53279472-G-A.
Other names: c.2286C>T, p.Asn762= (NM_001410736.1); c.1671C>T, p.Asn557= (NM_015075.2).
Identifiers: ClinVar variation 3250753 (VCV003250753.18), dbSNP rs942858332.